The following is an entry in ClinVar:

NM_021098.3(CACNA1H):c.4579C>T (p.His1527Tyr)

Gene: CACNA1H (calcium voltage-gated channel subunit alpha1 H; plus strand). Cytogenetic location: 16p13.3.
Variant type: single nucleotide variant.
Coding change: c.4579C>T on transcript NM_021098.3 (MANE Select); coding-DNA position 4579, C replaced by T.
Protein change: p.His1527Tyr; replaces histidine 1527 with tyrosine.
Molecular consequence: missense variant.
Genome position (GRCh38, 1-based): chr16:1,211,958, C>T. VCF-style: chr16-1211958-C-T. GRCh37 (hg19) VCF-style: chr16-1261958-C-T.
Other names: c.4579C>T, p.His1527Tyr (NM_001005407.2); short protein forms H1527Y.
Identifiers: ClinVar variation 1051906 (VCV001051906.11), dbSNP rs374265107, ClinGen allele CA7801457.
Genomic context (GRCh38, chr16:1,211,958, plus strand): 5'-GCCCCTGGCGGGGCAGGCGGGCGGGGACCCACCGCCTCTGTGCCACAGCCTGTGCAGAAC[C>T]ACAACCCCTGGATGCTGCTGTACTTCATCTCCTTCCTGCTCATCGTCAGCTTCTTCGTGC-3'
Protein context (NP_066921.2, residues 1517-1537): VGVDQQPVQN[His1527Tyr]NPWMLLYFIS

ClinVar aggregate classification (germline): Uncertain significance. Review status: criteria provided, multiple submitters, no conflicts (2 of 4 stars). 3 submissions from 3 submitters: Uncertain significance (3). Last evaluated 2024-10-16.

Conditions:
Hyperaldosteronism, familial, type IV (HALD4). Also called: FH IV; ALDOSTERONISM, PRIMARY, AND HYPERTENSION. Identifiers: Orphanet 642671, MedGen C4310756, MONDO:0014875, OMIM 617027.
Idiopathic generalized epilepsy. Also called: Generalised epilepsy; EIG. Identifiers: MedGen C0270850, MONDO:0005579, OMIM 600669.
Inborn genetic diseases. Identifiers: MedGen C0950123, MeSH D030342.

Allele frequency attached by ClinVar (database versions not stated): ExAC 0.00001; gnomAD exomes 0.00001 and 0.00002; gnomAD 0.00007; TOPMed 0.00007; ESP Exome Variant Server 0.00008.
gnomAD v4.1: 23 of 1,613,344 alleles (0.0014%); highest among the groups gnomAD compares: African/African-American, 0.029%; no homozygotes.

Submissions (3):

Labcorp Genetics (formerly Invitae), Labcorp
Classification: Uncertain significance for Idiopathic generalized epilepsy; Hyperaldosteronism, familial, type IV. Last evaluated: 2024-10-16. Review status: criteria provided, single submitter. Criteria: Invitae Variant Classification Sherloc (09022015). Collection method: clinical testing. Allele origin: germline.
Comment: This sequence change replaces histidine, which is basic and polar, with tyrosine, which is neutral and polar, at codon 1527 of the CACNA1H protein (p.His1527Tyr). This variant is present in population databases (rs374265107, gnomAD 0.01%). This variant has not been reported in the literature in individuals affected with CACNA1H-related conditions. ClinVar contains an entry for this variant (Variation ID: 1051906). Invitae Evidence Modeling of protein sequence and biophysical properties (such as structural, functional, and spatial information, amino acid conservation, physicochemical variation, residue mobility, and thermodynamic stability) indicates that this missense variant is not expected to disrupt CACNA1H protein function with a negative predictive value of 80%. In summary, the available evidence is currently insufficient to determine the role of this variant in disease. Therefore, it has been classified as a Variant of Uncertain Significance.

Ambry Genetics
Classification: Uncertain significance for Inborn genetic diseases. Last evaluated: 2022-07-08. Review status: criteria provided, single submitter. Criteria: Ambry Variant Classification Scheme 2023. Collection method: clinical testing. Allele origin: germline.

GeneDx
Classification: Uncertain significance. Last evaluated: 2019-10-09. Review status: criteria provided, single submitter. Criteria: GeneDx Variant Classification Process June 2021. Collection method: clinical testing. Allele origin: germline. Affected: yes.
Comment: In silico analysis, which includes protein predictors and evolutionary conservation, supports a deleterious effect; Has not been previously published as pathogenic or benign to our knowledge